The following is an entry in ClinVar:

NM_018026.4(PACS1):c.1679C>T (p.Ala560Val)

Gene: PACS1 (phosphofurin acidic cluster sorting protein 1; plus strand). Cytogenetic location: 11q13.2.
Variant type: single nucleotide variant.
Coding change: c.1679C>T on transcript NM_018026.4 (MANE Select); coding-DNA position 1679, C replaced by T.
Protein change: p.Ala560Val; replaces alanine 560 with valine.
Molecular consequence: missense variant.
Genome position (GRCh38, 1-based): chr11:66,232,224, C>T. VCF-style: chr11-66232224-C-T. GRCh37 (hg19) VCF-style: chr11-65999695-C-T.
Other names: short protein forms A560V.
Identifiers: ClinVar variation 2010560 (VCV002010560.4), dbSNP rs774096329, ClinGen allele CA381369291.

ClinVar aggregate classification (germline): Uncertain significance (1 of 4 stars; one submission).

Conditions:
Schuurs-Hoeijmakers syndrome. Also called: PACS1-Related Neurodevelopmental Disorder. Identifiers: Orphanet 329224, MedGen C3554343, MONDO:0014006, OMIM 615009.

Allele frequency attached by ClinVar (database versions not stated): gnomAD exomes below 0.00001.
gnomAD v4.1: 1 of 1,613,572 alleles (0.000062%); highest among the groups gnomAD compares: Non-Finnish European, 0.000085%; no homozygotes.

Submission:

Labcorp Genetics (formerly Invitae), Labcorp
Classification: Uncertain significance for Schuurs-Hoeijmakers syndrome. Last evaluated: 2025-09-02. Review status: criteria provided, single submitter. Criteria: Invitae Variant Classification Sherloc (09022015). Collection method: clinical testing. Allele origin: germline.
Comment: This sequence change replaces alanine, which is neutral and non-polar, with valine, which is neutral and non-polar, at codon 560 of the PACS1 protein (p.Ala560Val). This variant is not present in population databases (gnomAD no frequency). This variant has not been reported in the literature in individuals affected with PACS1-related conditions. ClinVar contains an entry for this variant (Variation ID: 2010560). Invitae Evidence Modeling of protein sequence and biophysical properties (such as structural, functional, and spatial information, amino acid conservation, physicochemical variation, residue mobility, and thermodynamic stability) indicates that this missense variant is not expected to disrupt PACS1 protein function with a negative predictive value of 80%. In summary, the available evidence is currently insufficient to determine the role of this variant in disease. Therefore, it has been classified as a Variant of Uncertain Significance.